The following is an entry in ClinVar:

NM_021072.4(HCN1):c.851T>C (p.Ile284Thr)

Gene: HCN1 (hyperpolarization activated cyclic nucleotide gated potassium channel 1; minus strand). Cytogenetic location: 5p12.
Variant type: single nucleotide variant.
Coding change: c.851T>C on transcript NM_021072.4 (MANE Select); coding-DNA position 851, T replaced by C.
Protein change: p.Ile284Thr; replaces isoleucine 284 with threonine.
Molecular consequence: missense variant.
Genome position (GRCh38, 1-based): chr5:45,462,006, A>G on the plus strand (T>C on the coding strand, the complement: HCN1 is on the minus strand). VCF-style: chr5-45462006-A-G. GRCh37 (hg19) VCF-style: chr5-45462108-A-G.
Other names: short protein forms I284T.
Identifiers: ClinVar variation 981336 (VCV000981336.3), dbSNP rs1741171789, ClinGen allele CA359705114.

ClinVar aggregate classification (germline): Uncertain significance. Review status: criteria provided, multiple submitters, no conflicts (2 of 4 stars). 2 submissions from 2 submitters: Uncertain significance (2). Last evaluated 2025-02-02.

Conditions:
Intellectual disability. Also called: intellectual disabilities; Intellectual developmental disorder; Intellectual functioning disability. Identifiers: MedGen C3714756, MeSH D008607, MONDO:0001071, HP:0001249.
Early-infantile DEE. Also called: Ohtahara syndrome; Early infantile epileptic encephalopathy; Early infantile epileptic encephalopathy with suppression bursts. Identifiers: Orphanet 1934, MedGen C0393706, MONDO:0800491.

Submissions (2):

Labcorp Genetics (formerly Invitae), Labcorp
Classification: Uncertain significance for Early-infantile DEE. Last evaluated: 2025-02-02. Review status: criteria provided, single submitter. Criteria: Invitae Variant Classification Sherloc (09022015). Collection method: clinical testing. Allele origin: germline.
Comment: This sequence change replaces isoleucine, which is neutral and non-polar, with threonine, which is neutral and polar, at codon 284 of the HCN1 protein (p.Ile284Thr). This variant is not present in population databases (gnomAD no frequency). This variant has not been reported in the literature in individuals affected with HCN1-related conditions. ClinVar contains an entry for this variant (Variation ID: 981336). Invitae Evidence Modeling of protein sequence and biophysical properties (such as structural, functional, and spatial information, amino acid conservation, physicochemical variation, residue mobility, and thermodynamic stability) has been performed for this missense variant. However, the output from this modeling did not meet the statistical confidence thresholds required to predict the impact of this variant on HCN1 protein function. In summary, the available evidence is currently insufficient to determine the role of this variant in disease. Therefore, it has been classified as a Variant of Uncertain Significance.

Diagnostic Laboratory, Strasbourg University Hospital
Classification: Uncertain significance for Intellectual disability. Last evaluated: 2020-09-10. Review status: criteria provided, single submitter. Criteria: ACMG Guidelines, 2015. Collection method: clinical testing. Allele origin: maternal. Affected: yes. Observed: 1 heterozygote.